The following is an entry in ClinVar:

ClinVar aggregate classification (germline): Conflicting classifications of pathogenicity. Review status: criteria provided, conflicting classifications (1 of 4 stars). 2 submissions from 2 submitters: Uncertain significance (1); Likely benign (1). Last evaluated 2025-10-06.

Allele frequency attached by ClinVar (database versions not stated): gnomAD exomes 0.00002; TOPMed 0.00002; ExAC 0.00003; gnomAD 0.00005.
gnomAD v4.1: 36 of 1,613,752 alleles (0.0022%); highest among the groups gnomAD compares: Middle Eastern, 0.016%; no homozygotes.

Submissions (2):

Labcorp Genetics (formerly Invitae), Labcorp
Classification: Uncertain significance. Last evaluated: 2025-10-06. Review status: criteria provided, single submitter. Criteria: Invitae Variant Classification Sherloc (09022015). Collection method: clinical testing. Allele origin: germline.
Comment: This sequence change falls in intron 5 of the EEF2 gene. It does not directly change the encoded amino acid sequence of the EEF2 protein. It affects a nucleotide within the consensus splice site. This variant is present in population databases (rs112144519, gnomAD 0.007%). This variant has not been reported in the literature in individuals affected with EEF2-related conditions. ClinVar contains an entry for this variant (Variation ID: 2177426). Variants that disrupt the consensus splice site are a relatively common cause of aberrant splicing (PMID: 17576681, 9536098). Algorithms developed to predict the effect of sequence changes on RNA splicing suggest that this variant is not likely to affect RNA splicing. In summary, the available evidence is currently insufficient to determine the role of this variant in disease. Therefore, it has been classified as a Variant of Uncertain Significance.

Blueprint Genetics
Classification: Likely benign. Last evaluated: 2024-11-04. Review status: criteria provided, single submitter. Criteria: ACMG Guidelines, 2015. Collection method: clinical testing. Allele origin: germline.

Literature cited by the submitters: PubMed 17576681 (cited by Labcorp Genetics (formerly Invitae), Labcorp); PubMed 9536098 (cited by Labcorp Genetics (formerly Invitae), Labcorp).

NM_001961.4(EEF2):c.791+3G>A

Gene: EEF2 (eukaryotic translation elongation factor 2; minus strand). Cytogenetic location: 19p13.3.
Variant type: single nucleotide variant.
Coding change: c.791+3G>A on transcript NM_001961.4 (MANE Select); 3 bases into the intron after coding-DNA position 791, G replaced by A.
Molecular consequence: intron variant.
Genome position (GRCh38, 1-based): chr19:3,982,243, C>T on the plus strand (G>A on the coding strand, the complement: EEF2 is on the minus strand). VCF-style: chr19-3982243-C-T. GRCh37 (hg19) VCF-style: chr19-3982241-C-T.
Identifiers: ClinVar variation 2177426 (VCV002177426.5), dbSNP rs112144519, ClinGen allele CA9089211.